The following is an entry in ClinVar:

NM_004991.4(MECOM):c.2059G>A (p.Gly687Arg)

Gene: MECOM (MDS1 and EVI1 complex locus; minus strand). Cytogenetic location: 3q26.2.
Variant type: single nucleotide variant.
Coding change: c.2059G>A on transcript NM_004991.4 (MANE Select); coding-DNA position 2059, G replaced by A.
Protein change: p.Gly687Arg; replaces glycine 687 with arginine.
Molecular consequence: missense variant. On other transcripts: intron variant (2).
Genome position (GRCh38, 1-based): chr3:169,115,813, C>T on the plus strand (G>A on the coding strand, the complement: MECOM is on the minus strand). VCF-style: chr3-169115813-C-T. GRCh37 (hg19) VCF-style: chr3-168833601-C-T.
Other names: c.1690G>A, p.Gly564Arg (NM_001105077.4); c.1495G>A, p.Gly499Arg (NM_001105078.4, NM_001164000.2, NM_001205194.2 and 4 more transcripts); c.1498G>A, p.Gly500Arg (NM_001163999.2, NM_001366467.2, NM_001366468.2 and 1 more transcripts); c.2059G>A, p.Gly687Arg (NM_001366466.2); c.1133-46G>A (NM_001366473.2); c.569-46G>A (NM_001366474.2); short protein forms G499R, G564R, G687R, G500R.
Identifiers: ClinVar variation 4053193 (VCV004053193.1).

ClinVar aggregate classification (germline): Uncertain significance (1 of 4 stars; one submission).

Conditions:
Inborn genetic diseases. Identifiers: MedGen C0950123, MeSH D030342.

gnomAD v4.1: 1 of 1,614,062 alleles (0.000062%); highest among the groups gnomAD compares: Non-Finnish European, 0.000085%; no homozygotes.

Submission:

Ambry Genetics
Classification: Uncertain significance for Inborn genetic diseases. Last evaluated: 2025-04-17. Review status: criteria provided, single submitter. Criteria: Ambry Variant Classification Scheme 2023. Collection method: clinical testing. Allele origin: germline.
Comment: The p.G687R variant (also known as c.2059G>A), located in coding exon 8 of the MECOM gene, results from a G to A substitution at nucleotide position 2059. The glycine at codon 687 is replaced by arginine, an amino acid with dissimilar properties. This amino acid position is conserved. In addition, the in silico prediction for this alteration is inconclusive. Based on the available evidence, the clinical significance of this variant remains unclear.